The following is an entry in ClinVar:

ClinVar aggregate classification (germline): Benign/Likely benign. Review status: criteria provided, multiple submitters, no conflicts (2 of 4 stars). 4 submissions from 4 submitters: Benign (1); Likely benign (3). Last evaluated 2025-11-05.

Conditions:
Hereditary cancer-predisposing syndrome. Also called: Tumor predisposition; Neoplastic Syndromes, Hereditary; Hereditary Cancer Syndrome; Hereditary neoplastic syndrome. Identifiers: Orphanet 140162, MedGen C0027672, MeSH D009386, MONDO:0015356.
Familial adenomatous polyposis 1 (FAP1). Also called: POLYPOSIS, ADENOMATOUS INTESTINAL; FAMILIAL ADENOMATOUS POLYPOSIS 1, ATTENUATED. Identifiers: MedGen C2713442, MONDO:0021056, OMIM 175100. Disease mechanism: loss of function.

Allele frequency attached by ClinVar (database versions not stated): gnomAD exomes below 0.00001.
gnomAD v4.1: 1 of 1,614,160 alleles (0.000062%); highest among the groups gnomAD compares: Non-Finnish European, 0.000085%; no homozygotes.

Submissions (4):

Labcorp Genetics (formerly Invitae), Labcorp
Classification: Likely benign for Familial adenomatous polyposis 1. Last evaluated: 2025-11-05. Review status: criteria provided, single submitter. Criteria: Invitae Variant Classification Sherloc (09022015). Collection method: clinical testing. Allele origin: germline.

Color Diagnostics, LLC DBA Color Health
Classification: Likely benign for Hereditary cancer-predisposing syndrome. Last evaluated: 2025-06-23. Review status: criteria provided, single submitter. Criteria: ACMG Guidelines, 2015. Collection method: clinical testing. Allele origin: germline.

Myriad Genetics, Inc.
Classification: Benign for Familial adenomatous polyposis 1. Last evaluated: 2024-03-14. Review status: criteria provided, single submitter. Criteria: Myriad Autosomal Dominant, Autosomal Recessive and X-Linked Classification Criteria (2023). Collection method: clinical testing. Allele origin: unknown.
Comment: This variant is considered benign. This variant is a silent/synonymous amino acid change and it is not expected to impact splicing.

Ambry Genetics
Classification: Likely benign for Hereditary cancer-predisposing syndrome. Last evaluated: 2021-09-01. Review status: criteria provided, single submitter. Criteria: Ambry Variant Classification Scheme 2023. Collection method: clinical testing. Allele origin: germline.

NM_000038.6(APC):c.2556G>A (p.Leu852=)

Gene: APC (APC regulator of Wnt signaling pathway; plus strand). Cytogenetic location: 5q22.2.
Variant type: single nucleotide variant.
Coding change: c.2556G>A on transcript NM_000038.6 (MANE Select); coding-DNA position 2556, G replaced by A.
Protein change: p.Leu852=; no amino-acid change (leucine 852 retained).
Molecular consequence: synonymous variant.
Genome position (GRCh38, 1-based): chr5:112,838,150, G>A. VCF-style: chr5-112838150-G-A. GRCh37 (hg19) VCF-style: chr5-112173847-G-A.
Other names: c.2556G>A, p.Leu852= (NM_001127510.3, NM_001354895.2); c.2502G>A, p.Leu834= (NM_001127511.3); c.2610G>A, p.Leu870= (NM_001354896.2); c.2586G>A, p.Leu862= (NM_001354897.2); c.2481G>A, p.Leu827= (NM_001354898.2); c.2472G>A, p.Leu824= (NM_001354899.2); c.2433G>A, p.Leu811= (NM_001354900.2); c.2379G>A, p.Leu793= (NM_001354901.2); and 5 more.
Identifiers: ClinVar variation 759469 (VCV000759469.15), dbSNP rs1580623889, ClinGen allele CA445962861.